The following is an entry in ClinVar:

ClinVar aggregate classification (germline): Uncertain significance (1 of 4 stars; one submission).

Conditions:
Inflammatory skin and bowel disease, neonatal, 1. Identifiers: Orphanet 294023, MedGen C3280501, MONDO:0013693, OMIM 614328.

Submission:

Labcorp Genetics (formerly Invitae), Labcorp
Classification: Uncertain significance for Inflammatory skin and bowel disease, neonatal, 1. Last evaluated: 2023-12-06. Review status: criteria provided, single submitter. Criteria: Invitae Variant Classification Sherloc (09022015). Collection method: clinical testing. Allele origin: germline.
Comment: This sequence change replaces asparagine with histidine at codon 191 of the ADAM17 protein (p.Asn191His). The asparagine residue is weakly conserved and there is a small physicochemical difference between asparagine and histidine. This variant is not present in population databases (gnomAD no frequency). This variant has not been reported in the literature in individuals affected with ADAM17-related conditions. ClinVar contains an entry for this variant (Variation ID: 1441773). An algorithm developed to predict the effect of missense changes on protein structure and function (PolyPhen-2) suggests that this variant is likely to be tolerated. In summary, the available evidence is currently insufficient to determine the role of this variant in disease. Therefore, it has been classified as a Variant of Uncertain Significance.

NM_003183.6(ADAM17):c.571A>C (p.Asn191His)

Gene: ADAM17 (ADAM metallopeptidase domain 17; minus strand). Cytogenetic location: 2p25.1.
Variant type: single nucleotide variant.
Coding change: c.571A>C on transcript NM_003183.6 (MANE Select); coding-DNA position 571, A replaced by C.
Protein change: p.Asn191His; replaces asparagine 191 with histidine.
Molecular consequence: missense variant. On other transcripts: 5 prime UTR variant (2).
Genome position (GRCh38, 1-based): chr2:9,527,834, T>G on the plus strand (A>C on the coding strand, the complement: ADAM17 is on the minus strand). VCF-style: chr2-9527834-T-G. GRCh37 (hg19) VCF-style: chr2-9667963-T-G.
Other names: c.-110A>C (NM_001382777.1); c.-352A>C (NM_001382778.1); short protein forms N191H.
Identifiers: ClinVar variation 1441773 (VCV001441773.6), dbSNP rs2125027486, ClinGen allele CA345783947.